The following is an entry in ClinVar:

ClinVar aggregate classification (germline): Pathogenic. Review status: criteria provided, single submitter (1 of 4 stars). 2 submissions from 2 submitters: Pathogenic (1). 1 of the submissions does not count toward it. Last evaluated 2022-09-06.

Submissions (2):

Labcorp Genetics (formerly Invitae), Labcorp
Classification: Pathogenic. Last evaluated: 2022-09-06. Review status: criteria provided, single submitter. Criteria: Invitae Variant Classification Sherloc (09022015). Collection method: clinical testing. Allele origin: germline.
Comment: This sequence change replaces glutamine, which is neutral and polar, with histidine, which is basic and polar, at codon 636 of the ABCA4 protein (p.Gln636His). This variant is not present in population databases (gnomAD no frequency). This missense change has been observed in individuals with clinical features of Stargardt disease (PMID: 9781034, 19217903, 24677105, 28327576). ClinVar contains an entry for this variant (Variation ID: 99097). Advanced modeling of protein sequence and biophysical properties (such as structural, functional, and spatial information, amino acid conservation, physicochemical variation, residue mobility, and thermodynamic stability) performed at Invitae indicates that this missense variant is expected to disrupt ABCA4 protein function. For these reasons, this variant has been classified as Pathogenic.

Retina International
No classification provided. Review status: no classification provided. Collection method: not provided. Allele origin: not provided. Not counted in ClinVar's aggregate classification.

Literature cited by the submitters: PubMed 9781034 (cited by Labcorp Genetics (formerly Invitae), Labcorp); PubMed 19217903 (cited by Labcorp Genetics (formerly Invitae), Labcorp); PubMed 24677105 (cited by Labcorp Genetics (formerly Invitae), Labcorp); PubMed 28327576 (cited by Labcorp Genetics (formerly Invitae), Labcorp).

NM_000350.3(ABCA4):c.1908G>T (p.Gln636His)

Gene: ABCA4 (ATP binding cassette subfamily A member 4; minus strand). Cytogenetic location: 1p22.1.
Variant type: single nucleotide variant.
Coding change: c.1908G>T on transcript NM_000350.3 (MANE Select); coding-DNA position 1908, G replaced by T.
Protein change: p.Gln636His; replaces glutamine 636 with histidine.
Molecular consequence: missense variant.
Genome position (GRCh38, 1-based): chr1:94,062,606, C>A on the plus strand (G>T on the coding strand, the complement: ABCA4 is on the minus strand). VCF-style: chr1-94062606-C-A. GRCh37 (hg19) VCF-style: chr1-94528162-C-A.
Other names: c.1908G>T, p.Gln636His (NM_001425324.1); short protein forms Q636H.
Identifiers: ClinVar variation 99097 (VCV000099097.8), dbSNP rs61752400, ClinGen allele CA226951.
Genomic context (GRCh38, chr1:94,062,606, plus strand): 5'-CATGGAGGAGGATCGCGAACTTCAGACTCACGAATCGTCCACGAAGCAGGGGTAGGGCAT[C>A]TGCTGGAGGTAGATTCCAACTGGAGCCTCCGCCTGCACCTGGCTCCTTGTGATCCCCTGT-3'
Protein context (NP_000341.2, residues 626-646): AEAPVGIYLQ[Gln636His]MPYPCFVDDS